The following is an entry in ClinVar:

ClinVar aggregate classification (germline): Pathogenic (1 of 4 stars; one submission).

Conditions:
Familial thoracic aortic aneurysm and aortic dissection (TAAD). Also called: Thoracic aortic aneurysms and dissections. Identifiers: Orphanet 91387, MedGen C4707243, MONDO:0019625.
Marfan syndrome (MFS). Also called: FBN1-Related Marfan Syndrome; Marfan syndrome type 1; Marfan's syndrome; Marfan syndrome, classic; MARFAN SYNDROME, TYPE I. Identifiers: Orphanet 284963, Orphanet 558, MedGen C0024796, MONDO:0007947, OMIM 154700.

Submission:

Labcorp Genetics (formerly Invitae), Labcorp
Classification: Pathogenic for Marfan syndrome; Familial thoracic aortic aneurysm and aortic dissection. Last evaluated: 2018-05-24. Review status: criteria provided, single submitter. Criteria: Invitae Variant Classification Sherloc (09022015). Collection method: clinical testing. Allele origin: germline.
Comment: For these reasons, this variant has been classified as Pathogenic. This sequence change replaces cysteine with phenylalanine at codon 1889 of the FBN1 protein (p.Cys1889Phe). The cysteine residue is highly conserved and there is a large physicochemical difference between cysteine and phenylalanine. This variant is not present in population databases (ExAC no frequency). This variant has been observed in an individual affected with Marfan Syndrome (PMID: 19293848). The observation of one or more missense substitutions at this codon (p.Cys1889Phe and p.Cys1889Ser) in affected individuals suggests that this may be a clinically significant residue (PMID: 19293843, 19863550). This variant affects a cysteine residue located within an epidermal-growth-factor (EGF)–like domain of the FBN1 protein. Cysteine residues in these domains have been shown to be involved in the formation of disulfide bridges, which are critical for FBN1 protein structure and stability (PMID: 10486319, 3495735, 4750422, 16677079). In addition, missense substitutions within the FBN1 EGF-like domains affecting cysteine residues are significantly overrepresented among patients with Marfan syndrome (PMID: 16571647, 17701892).

Literature cited by the submitters: PubMed 19293848; PubMed 19293843; PubMed 19863550; PubMed 10486319; PubMed 3495735; PubMed 4750422; PubMed 16677079; PubMed 16571647; PubMed 17701892.

NM_000138.5(FBN1):c.5666G>T (p.Cys1889Phe)

Gene: FBN1 (fibrillin 1; minus strand). Cytogenetic location: 15q21.1.
Variant type: single nucleotide variant.
Coding change: c.5666G>T on transcript NM_000138.5 (MANE Select); coding-DNA position 5666, G replaced by T.
Protein change: p.Cys1889Phe; replaces cysteine 1889 with phenylalanine.
Molecular consequence: missense variant.
Genome position (GRCh38, 1-based): chr15:48,448,773, C>A on the plus strand (G>T on the coding strand, the complement: FBN1 is on the minus strand). VCF-style: chr15-48448773-C-A. GRCh37 (hg19) VCF-style: chr15-48740970-C-A.
Other names: short protein forms C1889F.
Identifiers: ClinVar variation 576709 (VCV000576709.8), dbSNP rs1566899500, ClinGen allele CA392341657.
Genomic context (GRCh38, chr15:48,448,773, plus strand): 5'-ATCAAATGAAGCTTTCAACAGCATATGAAAAAAATAATAATAATTGCATACTTACCCAAG[C>A]ACATGGTTTGGTCATCATTTGTTTTAAAACCAGTGTGGCAAAGGCAATAAAAGCTTCCAA-3'
Protein context (NP_000129.3, residues 1879-1899): GFKTNDDQTM[Cys1889Phe]LDINECERDA